The following is an entry in ClinVar:

NM_000210.4(ITGA6):c.2244+1G>A

Genes: ITGA6 (integrin subunit alpha 6; plus strand), PDK1-AS1 (PDK1 and ITGA6 antisense RNA 1; minus strand). Cytogenetic location: 2q31.1.
Variant type: single nucleotide variant.
Coding change: c.2244+1G>A on transcript NM_000210.4 (MANE Select); the canonical splice donor site of the intron after coding-DNA position 2244, G replaced by A.
Molecular consequence: splice donor variant.
Genome position (GRCh38, 1-based): chr2:172,487,631, G>A. VCF-style: chr2-172487631-G-A. GRCh37 (hg19) VCF-style: chr2-173352359-G-A.
Other names: c.1887+1G>A (NM_001316306.2); c.2361+1G>A (NM_001394928.1); c.2244+1G>A (NM_001079818.3, NM_001365530.2, NM_001365529.2).
Identifiers: ClinVar variation 2768729 (VCV002768729.3), dbSNP rs2468378787, ClinGen allele CA349294273.

ClinVar aggregate classification (germline): Likely pathogenic (1 of 4 stars; one submission).

Submission:

Labcorp Genetics (formerly Invitae), Labcorp
Classification: Likely pathogenic. Last evaluated: 2023-06-04. Review status: criteria provided, single submitter. Criteria: Invitae Variant Classification Sherloc (09022015). Collection method: clinical testing. Allele origin: germline.
Comment: In summary, the currently available evidence indicates that the variant is pathogenic, but additional data are needed to prove that conclusively. Therefore, this variant has been classified as Likely Pathogenic. Algorithms developed to predict the effect of sequence changes on RNA splicing suggest that this variant may disrupt the consensus splice site. This variant has not been reported in the literature in individuals affected with ITGA6-related conditions. This variant is not present in population databases (gnomAD no frequency). This sequence change affects a donor splice site in intron 16 of the ITGA6 gene. It is expected to disrupt RNA splicing. Variants that disrupt the donor or acceptor splice site typically lead to a loss of protein function (PMID: 16199547), and loss-of-function variants in ITGA6 are known to be pathogenic (PMID: 9158140, 9185503, 9804362, 27607025).

Literature cited by the submitters: PubMed 16199547; PubMed 9158140; PubMed 9185503; PubMed 9804362; PubMed 27607025.